The following is an entry in ClinVar:

ClinVar aggregate classification (germline): Uncertain significance (1 of 4 stars; one submission).

Conditions:
Arrhythmogenic cardiomyopathy with wooly hair and keratoderma. Also called: PALMOPLANTAR KERATODERMA WITH LEFT VENTRICULAR CARDIOMYOPATHY AND WOOLLY HAIR; Carvajal syndrome; Dilated cardiomyopathy with woolly hair and keratoderma; Arrhythmogenic cardiomyopathy with woolly hair and keratoderma. Identifiers: Orphanet 65282, MedGen C1854063, MONDO:0011581, OMIM 605676.

Submission:

All of Us Research Program, National Institutes of Health
Classification: Uncertain significance for Arrhythmogenic cardiomyopathy with wooly hair and keratoderma. Last evaluated: 2023-12-13. Review status: criteria provided, single submitter. Criteria: ACMG Guidelines, 2015. Collection method: clinical testing. Allele origin: germline. Inheritance: Autosomal dominant inheritance. Observed: 1 variant allele, 1 heterozygote.
Comment: This missense variant replaces lysine with arginine at codon 1331 of the DSP protein. Computational prediction suggests that this variant may not impact protein structure and function (internally defined REVEL score threshold <= 0.5, PMID: 27666373). To our knowledge, functional studies have not been reported for this variant. This variant has not been reported in individuals affected with DSP-related disorders in the literature. This variant has not been identified in the general population by the Genome Aggregation Database (gnomAD). The available evidence is insufficient to determine the role of this variant in disease conclusively. Therefore, this variant is classified as a Variant of Uncertain Significance.

This study involves interpretation of variants in research participants for the purpose of population health screening. Participant phenotype was not available at the time of variant classification. Additional details can be found in publication PMID: 35346344, PMCID: PMC8962531

NM_004415.4(DSP):c.3992A>G (p.Lys1331Arg)

Gene: DSP (desmoplakin; plus strand). Cytogenetic location: 6p24.3.
Variant type: single nucleotide variant.
Coding change: c.3992A>G on transcript NM_004415.4 (MANE Select); coding-DNA position 3992, A replaced by G.
Protein change: p.Lys1331Arg; replaces lysine 1331 with arginine.
Molecular consequence: missense variant. On other transcripts: intron variant (1).
Genome position (GRCh38, 1-based): chr6:7,580,182, A>G. VCF-style: chr6-7580182-A-G. GRCh37 (hg19) VCF-style: chr6-7580415-A-G.
Other names: c.3992A>G, p.Lys1331Arg (NM_001319034.2); c.3582+410A>G (NM_001008844.3); short protein forms K1331R.
Identifiers: ClinVar variation 3074798 (VCV003074798.1), dbSNP rs2533926988, ClinGen allele CA362685306.